The following is an entry in ClinVar:

NM_001267550.2(TTN):c.82807_82818del (p.Lys27603_Val27606del)

Genes: TTN (titin; minus strand), TTN-AS1 (TTN antisense RNA 1; plus strand). Cytogenetic location: 2q31.2.
Variant type: Deletion.
Coding change: c.82807_82818del on transcript NM_001267550.2 (MANE Select); coding-DNA positions 82807 to 82818, 12 bases deleted (AAAGGCTATGTT).
Protein change: p.Lys27603_Val27606del.
Genome position (GRCh38, 1-based): chr2:178,563,314-178,563,325, AACATAGCCTTT deleted on the plus strand (AAAGGCTATGTT on the coding strand, the reverse complement: TTN is on the minus strand); deleting any 12 consecutive bases within chr2:178,563,314-178,563,329 gives the same sequence; the c. name uses the placement nearest the transcript's 3' end. VCF-style (leftmost placement, unchanged base first): chr2-178563313-CAACATAGCCTTT-C. GRCh37 (hg19) VCF-style: chr2-179428040-CAACATAGCCTTT-C.
Other names: c.77884_77895del, p.Lys25962_Val25965del (NM_001256850.1); c.55612_55623del, p.Lys18538_Val18541del (NM_003319.4); c.75103_75114del, p.Lys25035_Val25038del (NM_133378.4); c.55987_55998del, p.Lys18663_Val18666del (NM_133432.3); c.56188_56199del, p.Lys18730_Val18733del (NM_133437.4); c.55612_55623del12 (NM_003319.4).
Identifiers: ClinVar variation 4193754 (VCV004193754.1).
Genomic context (GRCh38, chr2:178,563,313, plus strand): 5'-GTAATCCTGTTGGTGGAGTGCAGGTTGTCCATTCATCCGCAGCAGCTTCTTTGACCTCTA[CAACATAGCCTTT>C]AACAGGTGCGCCACCATCATAAATTGGCTTACTCCATGCCAGGGAGACAGAAGATCTGGA-3'

ClinVar aggregate classification (germline): Uncertain significance (1 of 4 stars; one submission).

Conditions:
Cardiovascular phenotype. Identifiers: MedGen CN230736.

Submission:

Ambry Genetics
Classification: Uncertain significance for Cardiovascular phenotype. Last evaluated: 2025-08-01. Review status: criteria provided, single submitter. Criteria: Ambry Variant Classification Scheme 2023. Collection method: clinical testing. Allele origin: germline.
Comment: The c.55612_55623del12 variant (also known as p.K18538_V18541del) is located in coding exon 153 of the TTN gene. This variant results from an in-frame AAAGGCTATGTT deletion at nucleotide positions 55612 to 55623. This results in the in-frame deletion of four amino acids at codons 18538 to 18541. This amino acid region is well conserved in available vertebrate species. In addition, this variant is predicted to be deleterious by in silico analysis (Choi Y et al. PLoS ONE. 2012; 7(10):e46688). Based on data from gnomAD, this allele has an overall frequency of 0.0004% (1/248180) total alleles studied. The highest observed frequency was 0.003% (1/30602) of South Asian alleles. Based on the available evidence, the clinical significance of this variant remains unclear.